The following is an entry in ClinVar:

NM_022132.5(MCCC2):c.384-19T>A

Gene: MCCC2 (methylcrotonyl-CoA carboxylase subunit 2; plus strand). Cytogenetic location: 5q13.2.
Variant type: single nucleotide variant.
Coding change: c.384-19T>A on transcript NM_022132.5 (MANE Select); 19 bases into the intron before coding-DNA position 384, T replaced by A.
Molecular consequence: intron variant.
Genome position (GRCh38, 1-based): chr5:71,602,487, T>A. VCF-style: chr5-71602487-T-A. GRCh37 (hg19) VCF-style: chr5-70898314-T-A.
Other names: c.384-19T>A (NM_001363147.1).
Identifiers: ClinVar variation 3703122 (VCV003703122.2).

ClinVar aggregate classification (germline): Uncertain significance. Review status: criteria provided, multiple submitters, no conflicts (2 of 4 stars). 2 submissions from 2 submitters: Uncertain significance (2). Last evaluated 2025-03-05.

Conditions:
3-methylcrotonyl-CoA carboxylase 2 deficiency. Also called: 3 alpha methylcrotonyl-CoA carboxylase 2 deficiency; 3 alpha methylcrotonylglycinuria 2; MCC 2 deficiency; Methylcrotonylglycinuria type 2; METHYLCROTONYLGLYCINURIA, TYPE II. Identifiers: Orphanet 6, MedGen C1859499, MONDO:0008862, OMIM 210210.

gnomAD v4.1: 32 of 1,614,118 alleles (0.002%); highest among the groups gnomAD compares: African/African-American, 0.04%; no homozygotes.

Submissions (2):

Women's Health and Genetics/Laboratory Corporation of America, LabCorp
Classification: Uncertain significance. Last evaluated: 2025-03-05. Review status: criteria provided, single submitter. Criteria: LabCorp Variant Classification Summary - May 2015. Collection method: clinical testing. Allele origin: germline.
Comment: Variant summary: MCCC2 c.384-19T>A alters a conserved nucleotide located at a position not widely known to affect splicing. Several computational tools predict a significant impact on normal splicing: Three predict the variant weakens a canonical 3' acceptor site. Three predict the variant creates a cryptic 3' acceptor site. However, these predictions have yet to be confirmed by functional studies. The variant allele was found at a frequency of 4.4e-05 in 251436 control chromosomes. This frequency is not significantly higher than estimated for a pathogenic variant in MCCC2 causing Methylcrotonyl-CoA Carboxylase Deficiency (4.4e-05 vs 0.0042), allowing no conclusion about variant significance. To our knowledge, no occurrence of c.384-19T>A in individuals affected with Methylcrotonyl-CoA Carboxylase Deficiency and no experimental evidence demonstrating its impact on protein function have been reported. No submitters have cited clinical-significance assessments for this variant to ClinVar. Based on the evidence outlined above, the variant was classified as uncertain significance.

Labcorp Genetics (formerly Invitae), Labcorp
Classification: Uncertain significance for 3-methylcrotonyl-CoA carboxylase 2 deficiency. Last evaluated: 2024-10-07. Review status: criteria provided, single submitter. Criteria: Invitae Variant Classification Sherloc (09022015). Collection method: clinical testing. Allele origin: germline.
Comment: This sequence change falls in intron 4 of the MCCC2 gene. It does not directly change the encoded amino acid sequence of the MCCC2 protein. This variant is present in population databases (rs376327673, gnomAD 0.05%). This variant has not been reported in the literature in individuals affected with MCCC2-related conditions. Algorithms developed to predict the effect of sequence changes on RNA splicing suggest that this variant may disrupt the consensus splice site. In summary, the available evidence is currently insufficient to determine the role of this variant in disease. Therefore, it has been classified as a Variant of Uncertain Significance.